The following is an entry in ClinVar:

NM_022552.5(DNMT3A):c.1934C>T (p.Thr645Ile)

Gene: DNMT3A (DNA methyltransferase 3 alpha; minus strand). Cytogenetic location: 2p23.3.
Variant type: single nucleotide variant.
Coding change: c.1934C>T on transcript NM_022552.5 (MANE Select); coding-DNA position 1934, C replaced by T.
Protein change: p.Thr645Ile; replaces threonine 645 with isoleucine.
Molecular consequence: missense variant. On other transcripts: non-coding transcript variant (1).
Genome position (GRCh38, 1-based): chr2:25,243,900, G>A on the plus strand (C>T on the coding strand, the complement: DNMT3A is on the minus strand). VCF-style: chr2-25243900-G-A. GRCh37 (hg19) VCF-style: chr2-25466769-G-A.
Other names: c.1478C>T, p.Thr493Ile (NM_001320893.1); c.1265C>T, p.Thr422Ile (NM_001375819.1); c.1367C>T, p.Thr456Ile (NM_153759.3); c.1934C>T, p.Thr645Ile (NM_175629.2); short protein forms T422I, T493I, T645I, T456I.
Identifiers: ClinVar variation 2860435 (VCV002860435.1), dbSNP rs1387749234, ClinGen allele CA346071455.
Genomic context (GRCh38, chr2:25,243,900, plus strand): 5'-CCTGGCTCCCCCATCCTGGGACAAGGCGGCCAGCACCTCTTGGGCCTGCACCCCTCACCT[G>A]TAGCGATTCCATCAAAGAGAGACAGCACCCGGATGGGCTTCCTCTTCTCAGCTGGGACAG-3'
Protein context (NP_072046.2, residues 635-655): RVLSLFDGIA[Thr645Ile]GLLVLKDLGI

ClinVar aggregate classification (germline): Uncertain significance (1 of 4 stars; one submission).

Conditions:
Tatton-Brown-Rahman overgrowth syndrome. Also called: Tatton-Brown-Rahman syndrome; Tall stature-intellectual disability-facial dysmorphism syndrome. Identifiers: Orphanet 404443, MedGen C4014545, MONDO:0014382, OMIM 615879.

Allele frequency attached by ClinVar (database versions not stated): gnomAD exomes below 0.00001.
gnomAD v4.1: 1 of 1,551,944 alleles (0.000064%); highest among the groups gnomAD compares: East Asian, 0.0024%; no homozygotes.

Submission:

Labcorp Genetics (formerly Invitae), Labcorp
Classification: Uncertain significance for Tatton-Brown-Rahman overgrowth syndrome. Last evaluated: 2023-04-28. Review status: criteria provided, single submitter. Criteria: Invitae Variant Classification Sherloc (09022015). Collection method: clinical testing. Allele origin: germline.
Comment: In summary, the available evidence is currently insufficient to determine the role of this variant in disease. Therefore, it has been classified as a Variant of Uncertain Significance. An algorithm developed to predict the effect of missense changes on protein structure and function (PolyPhen-2) suggests that this variant is likely to be disruptive. This variant has not been reported in the literature in individuals affected with DNMT3A-related conditions. The frequency data for this variant in the population databases is considered unreliable, as metrics indicate poor data quality at this position in the gnomAD database. This sequence change replaces threonine, which is neutral and polar, with isoleucine, which is neutral and non-polar, at codon 645 of the DNMT3A protein (p.Thr645Ile).